The following is an entry in ClinVar:

NM_003355.3(UCP2):c.179G>A (p.Arg60His)

Gene: UCP2 (uncoupling protein 2; minus strand). Cytogenetic location: 11q13.4.
Variant type: single nucleotide variant.
Coding change: c.179G>A on transcript NM_003355.3 (MANE Select); coding-DNA position 179, G replaced by A.
Protein change: p.Arg60His; replaces arginine 60 with histidine.
Molecular consequence: missense variant.
Genome position (GRCh38, 1-based): chr11:73,978,044, C>T on the plus strand (G>A on the coding strand, the complement: UCP2 is on the minus strand). VCF-style: chr11-73978044-C-T. GRCh37 (hg19) VCF-style: chr11-73689089-C-T.
Other names: c.179G>A (NM_003355.2); c.179G>A, p.Arg60His (NM_001381943.1, NM_001381944.1, NM_001381945.1 and 4 more transcripts); short protein forms R60H.
Identifiers: ClinVar variation 3009450 (VCV003009450.4), dbSNP rs767300915, ClinGen allele CA6181220.

ClinVar aggregate classification (germline): Uncertain significance. Review status: criteria provided, multiple submitters, no conflicts (2 of 4 stars). 2 submissions from 2 submitters: Uncertain significance (2). Last evaluated 2025-01-15.

Allele frequency attached by ClinVar (database versions not stated): ExAC 0.00001; gnomAD exomes 0.00002; TOPMed 0.00002; gnomAD 0.00003.
gnomAD v4.1: 37 of 1,614,076 alleles (0.0023%); highest among the groups gnomAD compares: Middle Eastern, 0.016%; no homozygotes.

Submissions (2):

Ambry Genetics
Classification: Uncertain significance. Last evaluated: 2025-01-15. Review status: criteria provided, single submitter. Criteria: Ambry Variant Classification Scheme 2023. Collection method: clinical testing. Allele origin: germline.

Labcorp Genetics (formerly Invitae), Labcorp
Classification: Uncertain significance. Last evaluated: 2023-03-27. Review status: criteria provided, single submitter. Criteria: Invitae Variant Classification Sherloc (09022015). Collection method: clinical testing. Allele origin: germline.
Comment: In summary, the available evidence is currently insufficient to determine the role of this variant in disease. Therefore, it has been classified as a Variant of Uncertain Significance. This sequence change replaces arginine, which is basic and polar, with histidine, which is basic and polar, at codon 60 of the UCP2 protein (p.Arg60His). This variant is present in population databases (rs767300915, gnomAD 0.006%). This variant has not been reported in the literature in individuals affected with UCP2-related conditions. An algorithm developed to predict the effect of missense changes on protein structure and function (PolyPhen-2) suggests that this variant is likely to be tolerated.